The following is an entry in ClinVar:

ClinVar aggregate classification (germline): Conflicting classifications of pathogenicity. Review status: criteria provided, conflicting classifications (1 of 4 stars). 2 submissions from 2 submitters: Uncertain significance (1); Likely benign (1). Last evaluated 2024-05-12.

Conditions:
Inborn genetic diseases. Identifiers: MedGen C0950123, MeSH D030342.

Allele frequency attached by ClinVar (database versions not stated): gnomAD 0.00001; gnomAD exomes 0.00001; TOPMed 0.00003; ESP Exome Variant Server 0.00008.
gnomAD v4.1: 11 of 1,614,016 alleles (0.00068%); highest among the groups gnomAD compares: East Asian, 0.0045%; no homozygotes.

Submissions (2):

Ambry Genetics
Classification: Likely benign for Inborn genetic diseases. Last evaluated: 2024-05-12. Review status: criteria provided, single submitter. Criteria: Ambry Variant Classification Scheme 2023. Collection method: clinical testing. Allele origin: germline.

Labcorp Genetics (formerly Invitae), Labcorp
Classification: Uncertain significance. Last evaluated: 2022-12-06. Review status: criteria provided, single submitter. Criteria: Invitae Variant Classification Sherloc (09022015). Collection method: clinical testing. Allele origin: germline.
Comment: In summary, the available evidence is currently insufficient to determine the role of this variant in disease. Therefore, it has been classified as a Variant of Uncertain Significance. Advanced modeling of protein sequence and biophysical properties (such as structural, functional, and spatial information, amino acid conservation, physicochemical variation, residue mobility, and thermodynamic stability) performed at Invitae indicates that this missense variant is not expected to disrupt KMT2A protein function. This variant has not been reported in the literature in individuals affected with KMT2A-related conditions. This variant is present in population databases (rs139366882, gnomAD 0.005%). This sequence change replaces glutamic acid, which is acidic and polar, with lysine, which is basic and polar, at codon 3451 of the KMT2A protein (p.Glu3451Lys).

NM_001197104.2(KMT2A):c.10351G>A (p.Glu3451Lys)

Gene: KMT2A (lysine methyltransferase 2A; plus strand). Cytogenetic location: 11q23.3.
Variant type: single nucleotide variant.
Coding change: c.10351G>A on transcript NM_001197104.2 (MANE Select); coding-DNA position 10351, G replaced by A.
Protein change: p.Glu3451Lys; replaces glutamic acid 3451 with lysine.
Molecular consequence: missense variant.
Genome position (GRCh38, 1-based): chr11:118,506,243, G>A. VCF-style: chr11-118506243-G-A. GRCh37 (hg19) VCF-style: chr11-118376958-G-A.
Other names: c.10441G>A, p.Glu3481Lys (NM_001412597.1); c.10342G>A, p.Glu3448Lys (NM_005933.4); short protein forms E3448K, E3451K, E3481K.
Identifiers: ClinVar variation 3022742 (VCV003022742.4), dbSNP rs139366882, ClinGen allele CA229530328.